The following is an entry in ClinVar:

NM_001271.4(CHD2):c.4482C>T (p.Asn1494=)

Gene: CHD2 (chromodomain helicase DNA binding protein 2; plus strand). Cytogenetic location: 15q26.1.
Variant type: single nucleotide variant.
Coding change: c.4482C>T on transcript NM_001271.4 (MANE Select); coding-DNA position 4482, C replaced by T.
Protein change: p.Asn1494=; no amino-acid change (asparagine 1494 retained).
Molecular consequence: synonymous variant.
Genome position (GRCh38, 1-based): chr15:93,009,213, C>T. VCF-style: chr15-93009213-C-T. GRCh37 (hg19) VCF-style: chr15-93552443-C-T.
Identifiers: ClinVar variation 210711 (VCV000210711.39), dbSNP rs565686460, ClinGen allele CA206287.

ClinVar aggregate classification (germline): Conflicting classifications of pathogenicity. Review status: criteria provided, conflicting classifications (1 of 4 stars). 5 submissions from 5 submitters: Uncertain significance (1); Likely benign (4). Last evaluated 2026-06-01.

Conditions:
Developmental and epileptic encephalopathy 94 (DEE94). Also called: Epileptic encephalopathy, childhood-onset; CHD2-Related Neurodevelopmental Disorders. Identifiers: Orphanet 1942, Orphanet 2382, MedGen C3809278, MONDO:0014150, OMIM 615369.

Allele frequency attached by ClinVar (database versions not stated): ExAC 0.00003; gnomAD exomes 0.00003; TOPMed 0.00004; gnomAD 0.00005; 1000 Genomes Project 30x 0.00016; 1000 Genomes Project 0.00020.

Submissions (5):

CeGaT Center for Human Genetics Tuebingen
Classification: Likely benign. Last evaluated: 2026-06-01. Review status: criteria provided, single submitter. Criteria: CeGaT Center For Human Genetics Tuebingen Variant Classification Criteria Version 2. Collection method: clinical testing. Allele origin: germline. Affected: yes. Observed: 3 variant alleles.
Comment: CHD2: BP4, BP7

Labcorp Genetics (formerly Invitae), Labcorp
Classification: Likely benign for Developmental and epileptic encephalopathy 94. Last evaluated: 2025-11-15. Review status: criteria provided, single submitter. Criteria: Invitae Variant Classification Sherloc (09022015). Collection method: clinical testing. Allele origin: germline.

Blueprint Genetics
Classification: Likely benign. Last evaluated: 2024-03-11. Review status: criteria provided, single submitter. Criteria: ACMG Guidelines, 2015. Collection method: clinical testing. Allele origin: germline.

GeneDx
Classification: Likely benign. Last evaluated: 2017-11-20. Review status: criteria provided, single submitter. Criteria: GeneDx Variant Classification (06012015). Collection method: clinical testing. Allele origin: germline. Affected: yes.
Comment: This variant is considered likely benign or benign based on one or more of the following criteria: it is a conservative change, it occurs at a poorly conserved position in the protein, it is predicted to be benign by multiple in silico algorithms, and/or has population frequency not consistent with disease.

Genetic Services Laboratory, University of Chicago
Classification: Uncertain significance. Last evaluated: 2015-03-18. Review status: criteria provided, single submitter. Criteria: ACMG Guidelines, 2015. Collection method: clinical testing. Allele origin: germline.